The following is an entry in ClinVar:

NM_001001557.4(GDF6):c.239C>T (p.Pro80Leu)

Gene: GDF6 (growth differentiation factor 6; minus strand). Cytogenetic location: 8q22.1.
Variant type: single nucleotide variant.
Coding change: c.239C>T on transcript NM_001001557.4 (MANE Select); coding-DNA position 239, C replaced by T.
Protein change: p.Pro80Leu; replaces proline 80 with leucine.
Molecular consequence: missense variant.
Genome position (GRCh38, 1-based): chr8:96,160,454, G>A on the plus strand (C>T on the coding strand, the complement: GDF6 is on the minus strand). VCF-style: chr8-96160454-G-A. GRCh37 (hg19) VCF-style: chr8-97172682-G-A.
Other names: short protein forms P80L.
Identifiers: ClinVar variation 1355378 (VCV001355378.8), dbSNP rs2130237859, ClinGen allele CA371753663.

ClinVar aggregate classification (germline): Uncertain significance (1 of 4 stars; one submission).

Conditions:
Microphthalmia, isolated, with coloboma 6 (MCOPCB6). Also called: MICROPHTHALMIA/COLOBOMA 6; Microphthalmia with coloboma 6, digenic; Microphthalmia with coloboma 6. Identifiers: Orphanet 98938, MedGen C3150968, MONDO:0013376, OMIM 613703.
Klippel-Feil syndrome 1, autosomal dominant (KFS1). Also called: CERVICAL VERTEBRAL FUSION, AUTOSOMAL DOMINANT. Identifiers: Orphanet 2345, MedGen C1861689, MONDO:0007306, OMIM 118100.
Leber congenital amaurosis 17 (LCA17). Identifiers: Orphanet 65, MedGen C3715164, MONDO:0014145, OMIM 615360.
Isolated microphthalmia 4. Identifiers: Orphanet 2542, MedGen C2751307, MONDO:0013130, OMIM 613094.

Submission:

Labcorp Genetics (formerly Invitae), Labcorp
Classification: Uncertain significance for Isolated microphthalmia 4; Leber congenital amaurosis 17; Klippel-Feil syndrome 1, autosomal dominant; Microphthalmia, isolated, with coloboma 6. Last evaluated: 2021-05-19. Review status: criteria provided, single submitter. Criteria: Invitae Variant Classification Sherloc (09022015). Collection method: clinical testing. Allele origin: germline.
Comment: In summary, the available evidence is currently insufficient to determine the role of this variant in disease. Therefore, it has been classified as a Variant of Uncertain Significance. This variant has not been reported in the literature in individuals with GDF6-related conditions. Algorithms developed to predict the effect of missense changes on protein structure and function output the following: SIFT: "Tolerated"; PolyPhen-2: "Benign"; Align-GVGD: "Class C0". The leucine amino acid residue is found in multiple mammalian species, suggesting that this missense change does not adversely affect protein function. These predictions have not been confirmed by published functional studies and their clinical significance is uncertain. This variant is not present in population databases (ExAC no frequency). This sequence change replaces proline with leucine at codon 80 of the GDF6 protein (p.Pro80Leu). The proline residue is weakly conserved and there is a moderate physicochemical difference between proline and leucine.